The following is an entry in ClinVar:

NM_004304.5(ALK):c.2204+3G>A

Gene: ALK (ALK receptor tyrosine kinase; minus strand). Cytogenetic location: 2p23.2.
Variant type: single nucleotide variant.
Coding change: c.2204+3G>A on transcript NM_004304.5 (MANE Select); 3 bases into the intron after coding-DNA position 2204, G replaced by A.
Molecular consequence: intron variant.
Genome position (GRCh38, 1-based): chr2:29,251,102, C>T on the plus strand (G>A on the coding strand, the complement: ALK is on the minus strand). VCF-style: chr2-29251102-C-T. GRCh37 (hg19) VCF-style: chr2-29473968-C-T.
Other names: c.2204+3G>A (NM_004304.4).
Identifiers: ClinVar variation 2869047 (VCV002869047.4), dbSNP rs2148197186, ClinGen allele CA2658460868.

ClinVar aggregate classification (germline): Uncertain significance. Review status: criteria provided, multiple submitters, no conflicts (2 of 4 stars). 2 submissions from 2 submitters: Uncertain significance (2). Last evaluated 2026-09-08.

Conditions:
Neuroblastoma, susceptibility to, 3. Also called: ALK-Related Neuroblastic Tumor Susceptibility. Identifiers: Orphanet 635, MedGen C2751681, MONDO:0013083, OMIM 613014.
Hereditary cancer-predisposing syndrome. Also called: Hereditary Cancer Syndrome; Hereditary neoplastic syndrome; Neoplastic Syndromes, Hereditary; Tumor predisposition. Identifiers: Orphanet 140162, MedGen C0027672, MeSH D009386, MONDO:0015356.

Allele frequency attached by ClinVar (database versions not stated): gnomAD exomes below 0.00001.
gnomAD v4.1: 5 of 1,613,892 alleles (0.00031%); highest among the groups gnomAD compares: African/African-American, 0.0013%; no homozygotes.

Submissions (2):

Ambry Genetics
Classification: Uncertain significance for Hereditary cancer-predisposing syndrome. Last evaluated: 2026-09-08. Review status: criteria provided, single submitter. Criteria: Ambry Variant Classification Scheme 2023. Collection method: clinical testing. Allele origin: germline.
Comment: The c.2204+3G>A intronic variant results from a G to A substitution 3 nucleotides after coding exon 12 in the ALK gene. This nucleotide position is not well conserved in available vertebrate species. In silico splice site analysis predicts that this alteration will not have any significant effect on splicing. Based on the available evidence, the clinical significance of this variant remains unclear.

Labcorp Genetics (formerly Invitae), Labcorp
Classification: Uncertain significance for Neuroblastoma, susceptibility to, 3. Last evaluated: 2025-08-18. Review status: criteria provided, single submitter. Criteria: Invitae Variant Classification Sherloc (09022015). Collection method: clinical testing. Allele origin: germline.
Comment: This sequence change falls in intron 12 of the ALK gene. It does not directly change the encoded amino acid sequence of the ALK protein. It affects a nucleotide within the consensus splice site. This variant is not present in population databases (gnomAD no frequency). This variant has not been reported in the literature in individuals affected with ALK-related conditions. ClinVar contains an entry for this variant (Variation ID: 2869047). Variants that disrupt the consensus splice site are a relatively common cause of aberrant splicing (PMID: 17576681, 9536098). Algorithms developed to predict the effect of sequence changes on RNA splicing suggest that this variant is not likely to affect RNA splicing. In summary, the available evidence is currently insufficient to determine the role of this variant in disease. Therefore, it has been classified as a Variant of Uncertain Significance.

Literature cited by the submitters: PubMed 17576681 (cited by Labcorp Genetics (formerly Invitae), Labcorp); PubMed 9536098 (cited by Labcorp Genetics (formerly Invitae), Labcorp).